The following is an entry in ClinVar:

ClinVar aggregate classification (germline): Likely benign. Review status: criteria provided, multiple submitters, no conflicts (2 of 4 stars). 2 submissions from 2 submitters: Likely benign (2). Last evaluated 2026-01-26.

Allele frequency attached by ClinVar (database versions not stated): gnomAD 0.00002; TOPMed 0.00003; ExAC 0.00004; gnomAD exomes 0.00010.
gnomAD v4.1: 151 of 1,614,080 alleles (0.0094%); highest among the groups gnomAD compares: Non-Finnish European, 0.013%; no homozygotes.

Submissions (2):

Labcorp Genetics (formerly Invitae), Labcorp
Classification: Likely benign. Last evaluated: 2026-01-26. Review status: criteria provided, single submitter. Criteria: Invitae Variant Classification Sherloc (09022015). Collection method: clinical testing. Allele origin: germline.

CeGaT Center for Human Genetics Tuebingen
Classification: Likely benign. Last evaluated: 2022-07-01. Review status: criteria provided, single submitter. Criteria: CeGaT Center For Human Genetics Tuebingen Variant Classification Criteria Version 2. Collection method: clinical testing. Allele origin: germline. Affected: yes. Observed: 1 variant allele.
Comment: NBAS: BP4, BP7

NM_015909.4(NBAS):c.2781T>C (p.Tyr927=)

Gene: NBAS (NBAS subunit of NRZ tethering complex; minus strand). Cytogenetic location: 2p24.3.
Variant type: single nucleotide variant.
Coding change: c.2781T>C on transcript NM_015909.4 (MANE Select); coding-DNA position 2781, T replaced by C.
Protein change: p.Tyr927=; no amino-acid change (tyrosine 927 retained).
Molecular consequence: synonymous variant. On other transcripts: non-coding transcript variant (1).
Genome position (GRCh38, 1-based): chr2:15,415,702, A>G on the plus strand (T>C on the coding strand, the complement: NBAS is on the minus strand). VCF-style: chr2-15415702-A-G. GRCh37 (hg19) VCF-style: chr2-15555826-A-G.
Identifiers: ClinVar variation 1944168 (VCV001944168.29), dbSNP rs755613175, ClinGen allele CA1536252.